The following is an entry in ClinVar:

ClinVar aggregate classification (germline): Uncertain significance (1 of 4 stars; one submission).

gnomAD v4.1: 5 of 1,613,416 alleles (0.00031%); highest among the groups gnomAD compares: African/African-American, 0.0013%; no homozygotes.

Submission:

Women's Health and Genetics/Laboratory Corporation of America, LabCorp
Classification: Uncertain significance. Last evaluated: 2025-02-07. Review status: criteria provided, single submitter. Criteria: LabCorp Variant Classification Summary - May 2015. Collection method: clinical testing. Allele origin: germline.
Comment: Variant summary: TTN c.70613C>T (p.Thr23538Ile) results in a non-conservative amino acid change in the encoded protein sequence. Two of four in-silico tools predict a benign effect of the variant on protein function. The variant was absent in 248688 control chromosomes. The available data on variant occurrences in the general population are insufficient to allow any conclusion about variant significance. To our knowledge, no occurrence of c.70613C>T in individuals affected with Autosomal Recessive Titinopathy and no experimental evidence demonstrating its impact on protein function have been reported. No submitters have cited clinical-significance assessments for this variant to ClinVar. Based on the evidence outlined above, the variant was classified as uncertain significance.

NM_001267550.2(TTN):c.78317C>T (p.Thr26106Ile)

Genes: TTN (titin; minus strand), TTN-AS1 (TTN antisense RNA 1; plus strand). Cytogenetic location: 2q31.2.
Variant type: single nucleotide variant.
Coding change: c.78317C>T on transcript NM_001267550.2 (MANE Select); coding-DNA position 78317, C replaced by T.
Protein change: p.Thr26106Ile; replaces threonine 26106 with isoleucine.
Molecular consequence: missense variant.
Genome position (GRCh38, 1-based): chr2:178,567,815, G>A on the plus strand (C>T on the coding strand, the complement: TTN is on the minus strand). VCF-style: chr2-178567815-G-A. GRCh37 (hg19) VCF-style: chr2-179432542-G-A.
Other names: c.51497C>T, p.Thr17166Ile (NM_133432.3); c.51698C>T, p.Thr17233Ile (NM_133437.4); c.73394C>T, p.Thr24465Ile (NM_001256850.1); c.51122C>T, p.Thr17041Ile (NM_003319.4); c.70613C>T, p.Thr23538Ile (NM_133378.4); short protein forms T17041I, T17166I, T17233I, T23538I, T24465I, T26106I.
Identifiers: ClinVar variation 3768686 (VCV003768686.1).